The following is an entry in ClinVar:

ClinVar aggregate classification (germline): Uncertain significance. Review status: criteria provided, multiple submitters, no conflicts (2 of 4 stars). 2 submissions from 2 submitters: Uncertain significance (2). Last evaluated 2025-03-03.

Allele frequency attached by ClinVar (database versions not stated): gnomAD exomes 0.00001 and 0.00002; ExAC 0.00003; gnomAD 0.00003 and 0.00005; TOPMed 0.00011; 1000 Genomes Project 0.00020; 1000 Genomes Project 30x 0.00031.

Submissions (2):

Labcorp Genetics (formerly Invitae), Labcorp
Classification: Uncertain significance. Last evaluated: 2025-03-03. Review status: criteria provided, single submitter. Criteria: Invitae Variant Classification Sherloc (09022015). Collection method: clinical testing. Allele origin: germline.
Comment: This sequence change replaces alanine, which is neutral and non-polar, with threonine, which is neutral and polar, at codon 206 of the GPR45 protein (p.Ala206Thr). This variant is present in population databases (rs527336507, gnomAD 0.02%). This variant has not been reported in the literature in individuals affected with GPR45-related conditions. ClinVar contains an entry for this variant (Variation ID: 1419038). An algorithm developed to predict the effect of missense changes on protein structure and function (PolyPhen-2) suggests that this variant is likely to be tolerated. In summary, the available evidence is currently insufficient to determine the role of this variant in disease. Therefore, it has been classified as a Variant of Uncertain Significance.

Ambry Genetics
Classification: Uncertain significance. Last evaluated: 2025-02-22. Review status: criteria provided, single submitter. Criteria: Ambry Variant Classification Scheme 2023. Collection method: clinical testing. Allele origin: germline.

NM_007227.3(GPR45):c.616G>A (p.Ala206Thr)

Gene: GPR45 (G protein-coupled receptor 45; plus strand). Cytogenetic location: 2q12.1.
Variant type: single nucleotide variant.
Coding change: c.616G>A on transcript NM_007227.3 (MANE Select); coding-DNA position 616, G replaced by A.
Protein change: p.Ala206Thr; replaces alanine 206 with threonine.
Molecular consequence: missense variant.
Genome position (GRCh38, 1-based): chr2:105,242,474, G>A. VCF-style: chr2-105242474-G-A. GRCh37 (hg19) VCF-style: chr2-105858931-G-A.
Other names: short protein forms A206T.
Identifiers: ClinVar variation 1419038 (VCV001419038.7), dbSNP rs527336507, ClinGen allele CA1813624.
Genomic context (GRCh38, chr2:105,242,474, plus strand): 5'-TACACGGAGCTCCCCGCTGACCGCGCCTACGTGGTCACCTTGGTGGTGGCCGTGTTCTTC[G>A]CGCCCTTTGGCGTCATGCTGTGCGCCTACATGTGCATCCTCAACACGGTCCGCAAGAACG-3'
Protein context (NP_009158.3, residues 196-216): VVTLVVAVFF[Ala206Thr]PFGVMLCAYM